The following is an entry in ClinVar:

NM_006231.4(POLE):c.1227-3C>T

Gene: POLE (DNA polymerase epsilon, catalytic subunit; minus strand). Cytogenetic location: 12q24.33.
Variant type: single nucleotide variant.
Coding change: c.1227-3C>T on transcript NM_006231.4 (MANE Select); 3 bases into the intron before coding-DNA position 1227, C replaced by T.
Molecular consequence: intron variant.
Genome position (GRCh38, 1-based): chr12:132,673,710, G>A on the plus strand (C>T on the coding strand, the complement: POLE is on the minus strand). VCF-style: chr12-132673710-G-A. GRCh37 (hg19) VCF-style: chr12-133250296-G-A.
Identifiers: ClinVar variation 4141070 (VCV004141070.1).

ClinVar aggregate classification (germline): Uncertain significance (1 of 4 stars; one submission).

Conditions:
Hereditary cancer-predisposing syndrome. Also called: Hereditary neoplastic syndrome; Neoplastic Syndromes, Hereditary; Tumor predisposition; Hereditary Cancer Syndrome. Identifiers: Orphanet 140162, MedGen C0027672, MeSH D009386, MONDO:0015356.

Submission:

Ambry Genetics
Classification: Uncertain significance for Hereditary cancer-predisposing syndrome. Last evaluated: 2025-06-17. Review status: criteria provided, single submitter. Criteria: Ambry Variant Classification Scheme 2023. Collection method: clinical testing. Allele origin: germline.
Comment: The c.1227-3C>T intronic variant results from a C to T substitution 3 nucleotides upstream from coding exon 13 in the POLE gene. This nucleotide position is well conserved in available vertebrate species. In silico splice site analysis predicts that this alteration will not have any significant effect on splicing. Based on the available evidence, the clinical significance of this variant remains unclear.